The following is an entry in ClinVar:

ClinVar aggregate classification (germline): Likely pathogenic (1 of 4 stars; one submission).

Conditions:
Cardiovascular phenotype. Identifiers: MedGen CN230736.

Submission:

Ambry Genetics
Classification: Likely pathogenic for Cardiovascular phenotype. Last evaluated: 2024-02-20. Review status: criteria provided, single submitter. Criteria: Ambry Variant Classification Scheme 2023. Collection method: clinical testing. Allele origin: germline.
Comment: The p.Y13749* variant (also known as c.41247T>A), located in coding exon 149 of the TTN gene, results from a T to A substitution at nucleotide position 41247. This changes the amino acid from a tyrosine to a stop codon within coding exon 149. This exon is located in the A-band region of the N2-B isoform of the titin protein and is constitutively expressed in TTN transcripts (percent spliced in or PSI 100%). This alteration is expected to result in loss of function by premature protein truncation or nonsense-mediated mRNA decay. While truncating variants in TTN are present in 1-3% of the general population, truncating variants in the A-band are the most common cause of dilated cardiomyopathy (DCM) (Herman DS et al. N. Engl. J. Med., 2012 Feb;366:619-28; Roberts AM et al. Sci Transl Med, 2015 Jan;7:270ra6). TTN truncating variants encoded in constitutive exons (PSI >90%) have been found to be significantly associated with DCM regardless of their position in titin (Schafer S et al. Nat. Genet., 2017 01;49:46-53). This variant is considered to be rare based on population cohorts in the Genome Aggregation Database (gnomAD). Based on the majority of available evidence to date, this variant is likely to be pathogenic.

NM_001267550.2(TTN):c.68442T>A (p.Tyr22814Ter)

Genes: TTN (titin; minus strand), TTN-AS1 (TTN antisense RNA 1; plus strand). Cytogenetic location: 2q31.2.
Variant type: single nucleotide variant.
Coding change: c.68442T>A on transcript NM_001267550.2 (MANE Select); coding-DNA position 68442, T replaced by A.
Protein change: p.Tyr22814Ter; replaces tyrosine 22814 with a stop codon.
Molecular consequence: nonsense.
Genome position (GRCh38, 1-based): chr2:178,578,073, A>T on the plus strand (T>A on the coding strand, the complement: TTN is on the minus strand). VCF-style: chr2-178578073-A-T. GRCh37 (hg19) VCF-style: chr2-179442800-A-T.
Other names: c.63519T>A, p.Tyr21173Ter (NM_001256850.1); c.41247T>A, p.Tyr13749Ter (NM_003319.4); c.60738T>A, p.Tyr20246Ter (NM_133378.4); c.41622T>A, p.Tyr13874Ter (NM_133432.3); c.41823T>A, p.Tyr13941Ter (NM_133437.4); short protein forms Y13749*, Y13874*, Y13941*, Y20246*, Y21173*, Y22814*.
Identifiers: ClinVar variation 3223265 (VCV003223265.1), dbSNP rs2468813508, ClinGen allele CA349672495.
Genomic context (GRCh38, chr2:178,578,073, plus strand): 5'-CTCTGATGGTAGGCTTGGCTTGCCCACACCTGCTAAATTGATTGCCATAACTCGGAATTC[A>T]TATTCAAGACCTTCAGTTAATCCTGTCACTTTAAAGTCTCTCATCCTTATCGGAGTCTTG-3'